The following is an entry in ClinVar:

ClinVar aggregate classification (germline): Uncertain significance. Review status: criteria provided, multiple submitters, no conflicts (2 of 4 stars). 2 submissions from 2 submitters: Uncertain significance (2). Last evaluated 2025-01-25.

Conditions:
Inborn genetic diseases. Identifiers: MedGen C0950123, MeSH D030342.

Allele frequency attached by ClinVar (database versions not stated): gnomAD exomes below 0.00001 and 0.00001; TOPMed below 0.00001; ExAC 0.00001; gnomAD 0.00001.
gnomAD v4.1: 6 of 1,598,002 alleles (0.00038%); highest among the groups gnomAD compares: Non-Finnish European, 0.00051%; no homozygotes.

Submissions (2):

Ambry Genetics
Classification: Uncertain significance for Inborn genetic diseases. Last evaluated: 2025-01-25. Review status: criteria provided, single submitter. Criteria: Ambry Variant Classification Scheme 2023. Collection method: clinical testing. Allele origin: germline.
Comment: The p.I202V variant (also known as c.604A>G), located in coding exon 4 of the ERCC6L2 gene, results from an A to G substitution at nucleotide position 604. The isoleucine at codon 202 is replaced by valine, an amino acid with highly similar properties. This amino acid position is conserved. In addition, the in silico prediction for this alteration is inconclusive. Based on the available evidence, the clinical significance of this variant remains unclear.

Labcorp Genetics (formerly Invitae), Labcorp
Classification: Uncertain significance. Last evaluated: 2024-01-08. Review status: criteria provided, single submitter. Criteria: Invitae Variant Classification Sherloc (09022015). Collection method: clinical testing. Allele origin: germline.
Comment: This sequence change replaces isoleucine, which is neutral and non-polar, with valine, which is neutral and non-polar, at codon 213 of the ERCC6L2 protein (p.Ile213Val). This variant is present in population databases (rs748532433, gnomAD 0.002%). This variant has not been reported in the literature in individuals affected with ERCC6L2-related conditions. ClinVar contains an entry for this variant (Variation ID: 1525719). Experimental studies and prediction algorithms are not available or were not evaluated, and the functional significance of this variant is currently unknown. In summary, the available evidence is currently insufficient to determine the role of this variant in disease. Therefore, it has been classified as a Variant of Uncertain Significance.

NM_020207.7(ERCC6L2):c.604A>G (p.Ile202Val)

Gene: ERCC6L2 (ERCC excision repair 6 like 2; plus strand). Cytogenetic location: 9q22.32.
Variant type: single nucleotide variant.
Coding change: c.604A>G on transcript NM_020207.7 (MANE Select); coding-DNA position 604, A replaced by G.
Protein change: p.Ile202Val; replaces isoleucine 202 with valine.
Molecular consequence: missense variant. On other transcripts: non-coding transcript variant (1).
Genome position (GRCh38, 1-based): chr9:95,907,087, A>G. VCF-style: chr9-95907087-A-G. GRCh37 (hg19) VCF-style: chr9-98669369-A-G.
Other names: c.604A>G, p.Ile202Val (NM_001010895.4, NM_001375291.1, NM_001375292.1 and 2 more transcripts); short protein forms I202V.
Identifiers: ClinVar variation 1525719 (VCV001525719.9), dbSNP rs748532433, ClinGen allele CA5139348.